The following is an entry in ClinVar:

ClinVar aggregate classification (germline): Benign. Review status: criteria provided, multiple submitters, no conflicts (2 of 4 stars). 3 submissions from 3 submitters: Benign (3). Last evaluated 2024-01-24.

Allele frequency attached by ClinVar (database versions not stated): ESP Exome Variant Server 0.30309; gnomAD exomes 0.30480 and 0.37551; gnomAD 0.33100 and 0.33670; TOPMed 0.36276; ExAC 0.36539; 1000 Genomes Project 30x 0.45362; 1000 Genomes Project 0.45627.
gnomAD v4.1: 488,721 of 1,584,568 alleles (31%); highest among the groups gnomAD compares: East Asian, 87%; 85,903 homozygotes.

Submissions (3):

Unidad de Genómica Garrahan, Hospital de Pediatría Garrahan
Classification: Benign. Last evaluated: 2024-01-24. Review status: criteria provided, single submitter. Criteria: ACMG Guidelines, 2015. Collection method: clinical testing. Allele origin: germline. Affected: no. Observed: 66 variant alleles.
Comment: This variant is classified as Benign based on local population frequency. This variant was detected in 69% of patients studied by a panel of primary immunodeficiencies. Number of patients: 66. Only high quality variants are reported.

GeneDx
Classification: Benign. Last evaluated: 2021-05-10. Review status: criteria provided, single submitter. Criteria: GeneDx Variant Classification Process June 2021. Collection method: clinical testing. Allele origin: germline. Affected: yes.

Breakthrough Genomics
Classification: Benign. Review status: criteria provided, single submitter. Criteria: ACMG Guidelines, 2015. Collection method: not provided. Allele origin: germline. Inheritance: Autosomal recessive inheritance. Affected: yes.

NM_001033046.4(CYBC1):c.443+27C>T

Gene: CYBC1 (cytochrome b-245 chaperone 1; minus strand). Cytogenetic location: 17q25.3.
Variant type: single nucleotide variant.
Coding change: c.443+27C>T on transcript NM_001033046.4 (MANE Select); 27 bases into the intron after coding-DNA position 443, C replaced by T.
Molecular consequence: intron variant.
Genome position (GRCh38, 1-based): chr17:82,444,420, G>A on the plus strand (C>T on the coding strand, the complement: CYBC1 is on the minus strand). VCF-style: chr17-82444420-G-A. GRCh37 (hg19) VCF-style: chr17-80402296-G-A.
Other names: c.401+27C>T (NM_001100408.3); c.443+27C>T (NM_001100407.3, NM_001193657.2, NM_001193654.2 and 2 more transcripts).
Identifiers: ClinVar variation 1262950 (VCV001262950.5), dbSNP rs7221125, ClinGen allele CA8858198.